The following is an entry in ClinVar:

ClinVar aggregate classification (germline): Likely benign (0 of 4 stars; one submission).

Conditions:
HYCC1-related disorder. Also called: HYCC1-related condition.

Allele frequency attached by ClinVar (database versions not stated): ExAC 0.00044.
gnomAD v4.1: 78 of 1,550,372 alleles (0.005%); highest among the groups gnomAD compares: Admixed American, 0.02%; no homozygotes.

Submission:

PreventionGenetics, part of Exact Sciences
Classification: Likely benign for HYCC1-related condition. Last evaluated: 2022-06-30. Review status: no assertion criteria provided. Collection method: clinical testing. Allele origin: germline.
Comment: This variant is classified as likely benign based on ACMG/AMP sequence variant interpretation guidelines (Richards et al. 2015 PMID: 25741868, with internal and published modifications).

NM_032581.4(HYCC1):c.992-967G>T

Gene: HYCC1 (hyccin PI4KA lipid kinase complex subunit 1; minus strand). Cytogenetic location: 7p15.3.
Variant type: single nucleotide variant.
Coding change: c.992-967G>T on transcript NM_032581.4 (MANE Select); 967 bases into the intron before coding-DNA position 992, G replaced by T.
Molecular consequence: intron variant. On other transcripts: missense variant (2).
Genome position (GRCh38, 1-based): chr7:22,947,130, C>A on the plus strand (G>T on the coding strand, the complement: HYCC1 is on the minus strand). VCF-style: chr7-22947130-C-A. GRCh37 (hg19) VCF-style: chr7-22986749-C-A.
Other names: c.1109G>T, p.Gly370Val (NM_001363466.2, NM_001363467.2); short protein forms G370V.
Identifiers: ClinVar variation 3048526 (VCV003048526.2), dbSNP rs757865944, ClinGen allele CA4185829.